The following is an entry in ClinVar:

ClinVar aggregate classification (germline): Uncertain significance (1 of 4 stars; one submission).

gnomAD v4.1: 18 of 1,611,540 alleles (0.0011%); highest among the groups gnomAD compares: Non-Finnish European, 0.0013%; no homozygotes.

Submission:

Labcorp Genetics (formerly Invitae), Labcorp
Classification: Uncertain significance. Last evaluated: 2022-08-10. Review status: criteria provided, single submitter. Criteria: Invitae Variant Classification Sherloc (09022015). Collection method: clinical testing. Allele origin: germline.
Comment: This sequence change affects codon 220 of the TBCE mRNA. It is a 'silent' change, meaning that it does not change the encoded amino acid sequence of the TBCE protein. This variant also falls at the last nucleotide of exon 7, which is part of the consensus splice site for this exon. This variant is not present in population databases (gnomAD no frequency). This variant has not been reported in the literature in individuals affected with TBCE-related conditions. Variants that disrupt the consensus splice site are a relatively common cause of aberrant splicing (PMID: 17576681, 9536098). Algorithms developed to predict the effect of sequence changes on RNA splicing suggest that this variant may disrupt the consensus splice site. In summary, the available evidence is currently insufficient to determine the role of this variant in disease. Therefore, it has been classified as a Variant of Uncertain Significance.

Literature cited by the submitters: PubMed 17576681; PubMed 9536098.

NM_003193.5(TBCE):c.660G>A (p.Glu220=)

Gene: TBCE (tubulin folding cofactor E; plus strand). Cytogenetic location: 1q42.3.
Variant type: single nucleotide variant.
Coding change: c.660G>A on transcript NM_003193.5 (MANE Select); coding-DNA position 660, G replaced by A.
Protein change: p.Glu220=; no amino-acid change (glutamic acid 220 retained).
Molecular consequence: synonymous variant.
Genome position (GRCh38, 1-based): chr1:235,430,804, G>A. VCF-style: chr1-235430804-G-A. GRCh37 (hg19) VCF-style: chr1-235594119-G-A.
Other names: c.660G>A, p.Glu220= (NM_001079515.3, NM_001287801.2); c.321G>A, p.Glu107= (NM_001287802.2).
Identifiers: ClinVar variation 1960061 (VCV001960061.2), dbSNP rs373148626, ClinGen allele CA423766378.
Genomic context (GRCh38, chr1:235,430,804, plus strand): 5'-TGGAACGCTTTCTGTACTGAAGGTTTTAGTCCTCAATCAAACAGGAATAACGTGGGCTGA[G>A]GTAATCATATTTCTTTGTTTTATTACACATTAATAAGCAATTAAAAATGTTTGGTTTAAT-3'
Protein context (NP_003184.1, residues 210-230): VLNQTGITWA[Glu220=]VLRCVAGCPG